The following is an entry in ClinVar:

NM_001369268.1(ACAN):c.1955C>T (p.Thr652Met)

Gene: ACAN (aggrecan; plus strand). Cytogenetic location: 15q26.1.
Variant type: single nucleotide variant.
Coding change: c.1955C>T on transcript NM_001369268.1 (MANE Select); coding-DNA position 1955, C replaced by T.
Protein change: p.Thr652Met; replaces threonine 652 with methionine.
Molecular consequence: missense variant.
Genome position (GRCh38, 1-based): chr15:88,849,660, C>T. VCF-style: chr15-88849660-C-T. GRCh37 (hg19) VCF-style: chr15-89392891-C-T.
Other names: c.1955C>T, p.Thr652Met (NM_001135.4, NM_013227.4); short protein forms T652M.
Identifiers: ClinVar variation 873431 (VCV000873431.7), dbSNP rs373373120, ClinGen allele CA7719738.

ClinVar aggregate classification (germline): Uncertain significance. Review status: criteria provided, multiple submitters, no conflicts (2 of 4 stars). 3 submissions from 3 submitters: Uncertain significance (3). Last evaluated 2025-10-16.

Conditions:
Inborn genetic diseases. Identifiers: MedGen C0950123, MeSH D030342.
Osteochondritis dissecans. Identifiers: Orphanet 251262, Orphanet 2764, MedGen C0029421, MONDO:0017178, HP:0010886.

Allele frequency attached by ClinVar (database versions not stated): gnomAD exomes 0.00005; TOPMed 0.00005; ESP Exome Variant Server 0.00016; gnomAD 0.00008 and 0.00010; ExAC 0.00004.

Submissions (3):

Labcorp Genetics (formerly Invitae), Labcorp
Classification: Uncertain significance. Last evaluated: 2025-10-16. Review status: criteria provided, single submitter. Criteria: Invitae Variant Classification Sherloc (09022015). Collection method: clinical testing. Allele origin: germline.
Comment: This sequence change replaces threonine, which is neutral and polar, with methionine, which is neutral and non-polar, at codon 652 of the ACAN protein (p.Thr652Met). This variant is present in population databases (rs373373120, gnomAD 0.02%). This variant has not been reported in the literature in individuals affected with ACAN-related conditions. ClinVar contains an entry for this variant (Variation ID: 873431). Invitae Evidence Modeling of protein sequence and biophysical properties (such as structural, functional, and spatial information, amino acid conservation, physicochemical variation, residue mobility, and thermodynamic stability) indicates that this missense variant is not expected to disrupt ACAN protein function with a negative predictive value of 80%. In summary, the available evidence is currently insufficient to determine the role of this variant in disease. Therefore, it has been classified as a Variant of Uncertain Significance.

Ambry Genetics
Classification: Uncertain significance for Inborn genetic diseases. Last evaluated: 2022-09-20. Review status: criteria provided, single submitter. Criteria: Ambry Variant Classification Scheme 2023. Collection method: clinical testing. Allele origin: germline.

Institute of Human Genetics, University of Leipzig Medical Center
Classification: Uncertain significance for Short stature and advanced bone age, with or without early-onset osteoarthritis and/or osteochondritis dissecans. Last evaluated: 2019-10-08. Review status: criteria provided, single submitter. Criteria: ACMG Guidelines, 2015. Collection method: clinical testing. Allele origin: germline. Affected: yes.